The following is an entry in ClinVar:

NM_000317.3(PTS):c.286G>A (p.Asp96Asn)

Gene: PTS (6-pyruvoyltetrahydropterin synthase; plus strand). Cytogenetic location: 11q23.1.
Variant type: single nucleotide variant.
Coding change: c.286G>A on transcript NM_000317.3 (MANE Select); coding-DNA position 286, G replaced by A.
Protein change: p.Asp96Asn; replaces aspartic acid 96 with asparagine.
Molecular consequence: missense variant.
Genome position (GRCh38, 1-based): chr11:112,233,205, G>A. VCF-style: chr11-112233205-G-A. GRCh37 (hg19) VCF-style: chr11-112103928-G-A.
Other names: short protein forms D96N.
Identifiers: ClinVar variation 484 (VCV000000484.26), dbSNP rs104894280, ClinGen allele CA114323.

ClinVar aggregate classification (germline): Pathogenic. Review status: criteria provided, multiple submitters, no conflicts (2 of 4 stars). 12 submissions from 12 submitters: Pathogenic (9). 3 of the submissions do not count toward it. Last evaluated 2026-03-27.

Conditions:
6-Pyruvoyl-tetrahydrobiopterin synthase deficiency. Also called: 6-Pyruvoyltetrahydropterin Synthase Deficiency; BH4-deficient hyperphenylalaninemia A; PTS-Related Tetrahydrobiopterin Deficiency; PTS DEFICIENCY; HYPERPHENYLALANINEMIA, TETRAHYDROBIOPTERIN-DEFICIENT, DUE TO PTS DEFICIENCY; Hyperphenylalanemia, BH4-deficient, A. Identifiers: Orphanet 13, Orphanet 238583, MedGen C0878676, MONDO:0009863, OMIM 261640.

Allele frequency attached by ClinVar (database versions not stated): gnomAD exomes below 0.00001 and 0.00001; 1000 Genomes Project 0.00020; gnomAD 0.00001; TOPMed 0.00003; 1000 Genomes Project 30x 0.00016.
gnomAD v4.1: 8 of 1,614,122 alleles (0.0005%); highest among the groups gnomAD compares: East Asian, 0.018%; no homozygotes.

Submissions (12):

GeneDx
Classification: Pathogenic. Last evaluated: 2026-03-27. Review status: criteria provided, single submitter. Criteria: GeneDx Variant Classification Process June 2021. Collection method: clinical testing. Allele origin: germline.
Comment: Published functional studies found this variant is associated with significantly reduced enzyme activity (PMID: 10319579); Not observed at significant frequency in large population cohorts (gnomAD); In silico analysis supports that this missense variant has a deleterious effect on protein structure/function; This variant is associated with the following publications: (PMID: 33234470, 25525159, 18505119, 29961769, 11438997, 30275481, 35314707, 34674428, 22237589, 10319579, 29499199, 32202960, 23138986, 9450907, 35095998, 36755623, 36246604, 36577126, 38105685, 11694255)

Natera, Inc.
Classification: Pathogenic for 6-Pyruvoyl-tetrahydrobiopterin synthase deficiency. Last evaluated: 2026-01-20. Review status: criteria provided, single submitter. Criteria: Natera Variant Classification Schema (03/2026). Collection method: clinical testing. Allele origin: germline.
Comment: The c.286G>A variant in PTS is a missense variant predicted to cause substitution of aspartic acid to asparagine at amino acid 96. This variant is rare in the general population with a frequency below the threshold expected for the associated phenotype(s). This variant has been observed in one or more individuals affected with the associated recessive disease, as either homozygous or compound heterozygous with a second variant (PMID: 25456745). Computational prediction algorithms indicate this variant is likely to affect gene or protein function. Given the available evidence, this variant is classified as Pathogenic.

Victorian Clinical Genetics Services, Murdoch Childrens Research Institute
Classification: Pathogenic for 6-Pyruvoyl-tetrahydrobiopterin synthase deficiency. Last evaluated: 2024-12-19. Review status: criteria provided, single submitter. Criteria: ACMG Guidelines, 2015. Collection method: clinical testing. Allele origin: germline. Affected: no.
Comment: This variant is classified as Pathogenic. Evidence in support of pathogenic classification: Variant is present in gnomAD <0.01 for a recessive condition (v4: 8 heterozygote(s), 0 homozygote(s)); This variant has strong previous evidence of pathogenicity in unrelated individuals. This variant has been classified as pathogenic by multiple clinical laboratories (ClinVar). This variant has also been reported as compound heterozygous in multiple unrelated individuals with hyperphenylalaninaemia (PMID: 23138986). Additional information: Variant is predicted to result in a missense amino acid change from aspartic acid to asparagine; This variant is heterozygous; This gene is associated with autosomal recessive disease; Loss of function is a known mechanism of disease in this gene and is associated with hyperphenylalaninemia, BH4-deficient, A (MIM#261640).

Fulgent Genetics
Classification: Pathogenic for 6-Pyruvoyl-tetrahydrobiopterin synthase deficiency. Last evaluated: 2024-05-29. Review status: criteria provided, single submitter. Criteria: ACMG Guidelines, 2015. Collection method: clinical testing. Allele origin: germline.

Labcorp Genetics (formerly Invitae), Labcorp
Classification: Pathogenic for 6-Pyruvoyl-tetrahydrobiopterin synthase deficiency. Last evaluated: 2024-05-13. Review status: criteria provided, single submitter. Criteria: Invitae Variant Classification Sherloc (09022015). Collection method: clinical testing. Allele origin: germline.
Comment: This sequence change replaces aspartic acid, which is acidic and polar, with asparagine, which is neutral and polar, at codon 96 of the PTS protein (p.Asp96Asn). This variant is not present in population databases (gnomAD no frequency). This missense change has been observed in individuals with biopterin deficient hyperphenylalanemia (PMID: 10319579, 11694255, 11916314, 18505119, 22237589, 23138986). ClinVar contains an entry for this variant (Variation ID: 484). An algorithm developed to predict the effect of missense changes on protein structure and function (PolyPhen-2) suggests that this variant is likely to be disruptive. Experimental studies have shown that this missense change affects PTS function (PMID: 10319579). For these reasons, this variant has been classified as Pathogenic.

Women's Health and Genetics/Laboratory Corporation of America, LabCorp
Classification: Pathogenic for 6-Pyruvoyl-tetrahydrobiopterin synthase deficiency. Last evaluated: 2023-11-07. Review status: criteria provided, single submitter. Criteria: LabCorp Variant Classification Summary - May 2015. Collection method: clinical testing. Allele origin: germline.
Comment: Variant summary: PTS c.286G>A (p.Asp96Asn) results in a conservative amino acid change in the encoded protein sequence. Four of five in-silico tools predict a damaging effect of the variant on protein function. The variant allele was found at a frequency of 4e-06 in 251410 control chromosomes. c.286G>A has been reported in the literature in multiple individuals affected with 6-Pyruvoyl-Tetrahydropterin Synthase Deficiency (example: Imamura_1999, Liu_1998, Cao_2014). These data indicate that the variant is very likely to be associated with disease. At least one publication reports experimental evidence evaluating an impact on protein function. The most pronounced variant effect results in 10% of normal activity (Imamura_1999). The following publications have been ascertained in the context of this evaluation (PMID: 25456745, 10319579, 9450907 ). Six submitters have cited clinical-significance assessments for this variant to ClinVar after 2014. All submitters classified the variant as pathogenic. Based on the evidence outlined above, the variant was classified as pathogenic.

Genome-Nilou Lab
Classification: Pathogenic for 6-Pyruvoyl-tetrahydrobiopterin synthase deficiency. Last evaluated: 2021-09-05. Review status: criteria provided, single submitter. Criteria: ACMG Guidelines, 2015. Collection method: clinical testing. Allele origin: germline. Affected: no.

Genetics and Molecular Pathology, SA Pathology
Classification: Pathogenic for 6-Pyruvoyl-tetrahydrobiopterin synthase deficiency. Last evaluated: 2020-09-16. Review status: criteria provided, single submitter. Criteria: ACMG Guidelines, 2015. Collection method: clinical testing. Allele origin: germline. Affected: yes.
Comment: The PTS c.286G>A variant is classified as PATHOGENIC (PM3-Very Strong, PS3, PM2, PP4-Moderate). The PTS c.286G>A is a single nucleotide change from a guanine to an adenine at position 286 which is predicted to change the amino acid aspartate in the protein to an asparagine. This variant is one of the most common PTS variants in East Asia and has been previously reported in over 20 patients with 6-pyruvoyl-tetrahydropterin synthase deficiency, including one homozygote (PMID: 10319579,11694255, 11916314, 23138986) (PM3 – Very Strong). Experimental studies have shown that this missense change results in a PTS protein with 10% normal enzyme activity (PMID: 10319579) (PS3). The variant has been reported in dbSNP (rs104894280) but is absent from population databases (PM2). The variant has been reported as Pathogenic by other diagnostic laboratories (ClinVar Variation ID: 484).The biochemical and clinical features of this patient is consistent with PTPS deficiency (PP4-Moderate).

Juno Genomics, Hangzhou Juno Genomics, Inc
Classification: Pathogenic for 6-Pyruvoyl-tetrahydrobiopterin synthase deficiency. Review status: criteria provided, single submitter. Criteria: ACMG Guidelines, 2015. Collection method: clinical testing. Allele origin: germline. Affected: yes.
Comment: Absent from controls (or at extremely low frequency if recessive) in Genome Aggregation Database, Exome Sequencing Project, 1000 Genomes Project, or Exome Aggregation Consortium.;Multiple lines of computational evidence support a deleterious effect on the gene or gene product (conservation, evolutionary, splicing impact, etc).;For recessive disorders, detected in trans with a pathogenic variant.

SingHealth Duke-NUS Institute of Precision Medicine
Classification: Pathogenic for 6-Pyruvoyl-tetrahydrobiopterin synthase deficiency. Last evaluated: 2017-06-07. Review status: no assertion criteria provided. Collection method: curation. Allele origin: germline. Affected: no. Not counted in ClinVar's aggregate classification.

Counsyl
Classification: Pathogenic for 6-Pyruvoyl-tetrahydrobiopterin synthase deficiency. Last evaluated: 2017-05-17. Review status: no assertion criteria provided. Collection method: clinical testing. Allele origin: unknown. Not counted in ClinVar's aggregate classification.

OMIM
Classification: Pathogenic for HYPERPHENYLALANINEMIA, BH4-DEFICIENT, A. Last evaluated: 1998-01-01. Review status: no assertion criteria provided. Collection method: literature only. Allele origin: germline. Not counted in ClinVar's aggregate classification.

Literature cited by the submitters: PubMed 25456745 (cited by 3 submitters); PubMed 23138986 (cited by 4 submitters); PubMed 10319579 (cited by 4 submitters); PubMed 11694255 (cited by Labcorp Genetics (formerly Invitae), Labcorp and Genetics and Molecular Pathology, SA Pathology); PubMed 11916314 (cited by Labcorp Genetics (formerly Invitae), Labcorp and Genetics and Molecular Pathology, SA Pathology); PubMed 18505119 (cited by Labcorp Genetics (formerly Invitae), Labcorp); PubMed 22237589 (cited by Labcorp Genetics (formerly Invitae), Labcorp); PubMed 9450907 (cited by 3 submitters); PubMed 25525159 (cited by Counsyl); PubMed 25304915 (cited by Counsyl).